The following is an entry in ClinVar:

ClinVar aggregate classification (germline): Benign/Likely benign. Review status: criteria provided, multiple submitters, no conflicts (2 of 4 stars). 4 submissions from 4 submitters: Benign (2); Likely benign (2). Last evaluated 2026-09-16.

Conditions:
Myeloproliferative neoplasm. Identifiers: Orphanet 98274, MedGen C1292778, MONDO:0020076.

Allele frequency attached by ClinVar (database versions not stated): gnomAD 0.00028; 1000 Genomes Project 30x 0.00031; ExAC 0.00037; ESP Exome Variant Server 0.00038; 1000 Genomes Project 0.00040.

Submissions (4):

Dept of Medical Biology, Uskudar University
Classification: Likely benign for Myeloproliferative neoplasm. Last evaluated: 2026-09-16. Review status: criteria provided, single submitter. Criteria: Dept of Medical Biology Variant Classification. Collection method: research. Allele origin: germline. Affected: yes. Observed: 1 variant allele.
Comment: BS1: allele frequency 8.0e-03 in the Middle Eastern population and 2.6e-04 overall in gnomAD v4.1. BP6: classified as benign or likely benign in ClinVar (VCV001336180). The classification remains likely benign without BP6 under the point-based framework. BS1 was applied at full strength where the gnomAD v4.1 grpmax filtering allele frequency exceeds 2.5e-04 (PMID:28518168) and at supporting strength where only the unfiltered population frequency does. Classified as likely benign under the ACMG/AMP 2015 guidelines (PMID:25741868). Detected in a retrospective series of 256 BCR::ABL1-negative and JAK2 V617F-negative patients referred for molecular investigation of a suspected myeloproliferative neoplasm (May 2007 to January 2015) and re-interpreted under the ACMG/AMP 2015 criteria.

ARUP Laboratories, Molecular Genetics and Genomics, ARUP Laboratories
Classification: Likely benign. Last evaluated: 2025-07-22. Review status: criteria provided, single submitter. Criteria: ARUP Molecular Germline Variant Investigation Process 2024. Collection method: clinical testing. Allele origin: germline.

Genetic Services Laboratory, University of Chicago
Classification: Benign. Last evaluated: 2021-06-14. Review status: criteria provided, single submitter. Criteria: ACMG Guidelines, 2015. Collection method: clinical testing. Allele origin: germline. Affected: no.

Breakthrough Genomics
Classification: Benign. Review status: criteria provided, single submitter. Criteria: ACMG Guidelines, 2015. Collection method: not provided. Allele origin: germline. Inheritance: Autosomal dominant inheritance. Affected: yes.

NM_005475.3(SH2B3):c.1426C>T (p.Leu476Phe)

Gene: SH2B3 (SH2B adaptor protein 3; plus strand). Cytogenetic location: 12q24.12.
Variant type: single nucleotide variant.
Coding change: c.1426C>T on transcript NM_005475.3 (MANE Select); coding-DNA position 1426, C replaced by T.
Protein change: p.Leu476Phe; replaces leucine 476 with phenylalanine.
Molecular consequence: missense variant.
Genome position (GRCh38, 1-based): chr12:111,448,000, C>T. VCF-style: chr12-111448000-C-T. GRCh37 (hg19) VCF-style: chr12-111885804-C-T.
Other names: c.820C>T, p.Leu274Phe (NM_001291424.1); short protein forms L274F, L476F.
Identifiers: ClinVar variation 1336180 (VCV001336180.8), dbSNP rs74163669, ClinGen allele CA6789997.